The following is an entry in ClinVar:

NC_000016.10:g.89490211_89491991del

Genes: ANKRD11 (ankyrin repeat domain 11; minus strand), LOC130059812 (ATAC-STARR-seq lymphoblastoid silent region 7906; plus strand), LOC130059813 (ATAC-STARR-seq lymphoblastoid silent region 7907; plus strand), LOC130059814 (ATAC-STARR-seq lymphoblastoid silent region 7908; plus strand). Cytogenetic location: 16q24.3.
Variant type: Deletion.
Genome position: GRCh38: chr16:89,490,211-89,491,991. GRCh37 (hg19): chr16:89,556,619-89,558,399.
Identifiers: ClinVar variation 1341551 (VCV001341551.3), ClinGen allele CA2580092290.

ClinVar aggregate classification (germline): Pathogenic (1 of 4 stars; one submission).

Conditions:
KBG syndrome (KBGS). Also called: ANKRD11-Related KBG Syndrome. Identifiers: Orphanet 2332, MedGen C0220687, MONDO:0007846, OMIM 148050.

Submission:

Medical Cytogenetics and Molecular Genetics Laboratory, IRCCS Istituto Auxologico Italiano
Classification: Pathogenic for KBG syndrome. Last evaluated: 2021-11-01. Review status: criteria provided, single submitter. Criteria: ACMG/ClinGen CNV Guidelines, 2019. Collection method: research. Allele origin: de novo. Affected: yes. Observed: 1 variant allele.